The following is an entry in ClinVar:

ClinVar aggregate classification (germline): Uncertain significance (1 of 4 stars; one submission).

Conditions:
Sulfite oxidase deficiency due to molybdenum cofactor deficiency type A. Also called: Molybdenum Cofactor Deficiency A; Molybdenum cofactor deficiency, complementation group A. Identifiers: Orphanet 308386, Orphanet 833, MedGen C1854988, MONDO:0009643, OMIM 252150.

Allele frequency attached by ClinVar (database versions not stated): gnomAD exomes below 0.00001 and 0.00001; TOPMed below 0.00001.
gnomAD v4.1: 7 of 1,614,196 alleles (0.00043%); highest among the groups gnomAD compares: Non-Finnish European, 0.00042%; no homozygotes.

Submission:

Labcorp Genetics (formerly Invitae), Labcorp
Classification: Uncertain significance for Sulfite oxidase deficiency due to molybdenum cofactor deficiency type A. Last evaluated: 2022-06-27. Review status: criteria provided, single submitter. Criteria: Invitae Variant Classification Sherloc (09022015). Collection method: clinical testing. Allele origin: germline.
Comment: In summary, the available evidence is currently insufficient to determine the role of this variant in disease. Therefore, it has been classified as a Variant of Uncertain Significance. Algorithms developed to predict the effect of missense changes on protein structure and function are either unavailable or do not agree on the potential impact of this missense change (SIFT: "Not Available"; PolyPhen-2: "Probably Damaging"; Align-GVGD: "Not Available"). ClinVar contains an entry for this variant (Variation ID: 1046867). This variant has not been reported in the literature in individuals affected with MOCS1-related conditions. This variant is present in population databases (no rsID available, gnomAD 0.0009%). This sequence change replaces tyrosine, which is neutral and polar, with cysteine, which is neutral and slightly polar, at codon 211 of the MOCS1 protein (p.Tyr211Cys).

NM_001358530.2(MOCS1):c.632A>G (p.Tyr211Cys)

Gene: MOCS1 (molybdenum cofactor synthesis 1; minus strand). Cytogenetic location: 6p21.2.
Variant type: single nucleotide variant.
Coding change: c.632A>G on transcript NM_001358530.2 (MANE Select); coding-DNA position 632, A replaced by G.
Protein change: p.Tyr211Cys; replaces tyrosine 211 with cysteine.
Molecular consequence: missense variant. On other transcripts: non-coding transcript variant (1).
Genome position (GRCh38, 1-based): chr6:39,913,787, T>C on the plus strand (A>G on the coding strand, the complement: MOCS1 is on the minus strand). VCF-style: chr6-39913787-T-C. GRCh37 (hg19) VCF-style: chr6-39881531-T-C.
Other names: c.632A>G, p.Tyr211Cys (NM_001075098.4, NM_001358529.2, NM_005943.6); c.371A>G, p.Tyr124Cys (NM_001358531.2, NM_001358533.2, NM_001358534.2); short protein forms Y124C, Y211C.
Identifiers: ClinVar variation 1046867 (VCV001046867.8), dbSNP rs1242005289, ClinGen allele CA364044149.